The following is an entry in ClinVar:

NM_032043.3(BRIP1):c.888G>C (p.Glu296Asp)

Gene: BRIP1 (BRCA1 interacting DNA helicase 1; minus strand). Cytogenetic location: 17q23.2.
Variant type: single nucleotide variant.
Coding change: c.888G>C on transcript NM_032043.3 (MANE Select); coding-DNA position 888, G replaced by C.
Protein change: p.Glu296Asp; replaces glutamic acid 296 with aspartic acid.
Molecular consequence: missense variant.
Genome position (GRCh38, 1-based): chr17:61,808,497, C>G on the plus strand (G>C on the coding strand, the complement: BRIP1 is on the minus strand). VCF-style: chr17-61808497-C-G. GRCh37 (hg19) VCF-style: chr17-59885858-C-G.
Other names: short protein forms E296D.
Identifiers: ClinVar variation 229882 (VCV000229882.23), dbSNP rs876658249, ClinGen allele CA10580855.

ClinVar aggregate classification (germline): Uncertain significance. Review status: criteria provided, multiple submitters, no conflicts (2 of 4 stars). 5 submissions from 5 submitters: Uncertain significance (5). Last evaluated 2025-10-20.

Conditions:
Hereditary cancer-predisposing syndrome. Also called: Hereditary Cancer Syndrome; Neoplastic Syndromes, Hereditary; Tumor predisposition; Hereditary neoplastic syndrome. Identifiers: Orphanet 140162, MedGen C0027672, MeSH D009386, MONDO:0015356.
Fanconi anemia complementation group J. Also called: BRIP1-Related Fanconi Anemia. Identifiers: Orphanet 84, MedGen C1836860, MONDO:0012187, OMIM 609054.
Familial cancer of breast. Also called: Hereditary breast cancer; hereditary breast carcinoma; BREAST CANCER, FAMILIAL. Identifiers: Orphanet 227535, MedGen C0346153, MONDO:0016419, OMIM 114480. Disease mechanism: loss of function.

Allele frequency attached by ClinVar (database versions not stated): gnomAD exomes below 0.00001; TOPMed below 0.00001.
gnomAD v4.1: 3 of 1,613,822 alleles (0.00019%); highest among the groups gnomAD compares: Middle Eastern, 0.016%; no homozygotes.

Submissions (5):

Labcorp Genetics (formerly Invitae), Labcorp
Classification: Uncertain significance for Familial cancer of breast; Fanconi anemia complementation group J. Last evaluated: 2025-10-20. Review status: criteria provided, single submitter. Criteria: Invitae Variant Classification Sherloc (09022015). Collection method: clinical testing. Allele origin: germline.
Comment: This sequence change replaces glutamic acid, which is acidic and polar, with aspartic acid, which is acidic and polar, at codon 296 of the BRIP1 protein (p.Glu296Asp). This variant is present in population databases (no rsID available, gnomAD 0.006%). This variant has not been reported in the literature in individuals affected with BRIP1-related conditions. ClinVar contains an entry for this variant (Variation ID: 229882). Invitae Evidence Modeling of protein sequence and biophysical properties (such as structural, functional, and spatial information, amino acid conservation, physicochemical variation, residue mobility, and thermodynamic stability) indicates that this missense variant is not expected to disrupt BRIP1 protein function with a negative predictive value of 95%. In summary, the available evidence is currently insufficient to determine the role of this variant in disease. Therefore, it has been classified as a Variant of Uncertain Significance.

Color Diagnostics, LLC DBA Color Health
Classification: Uncertain significance for Hereditary cancer-predisposing syndrome. Last evaluated: 2025-05-21. Review status: criteria provided, single submitter. Criteria: ACMG Guidelines, 2015. Collection method: clinical testing. Allele origin: germline.
Comment: This missense variant replaces glutamic acid with aspartic acid at codon 296 of the BRIP1 protein. Computational prediction suggests that this variant may not impact protein structure and function. To our knowledge, functional studies have not been reported for this variant. This variant has been reported in a healthy control in a large breast cancer case-control study (0/13,213 individuals with breast cancer and 1/5242 controls) (PMID: 26921362). This variant has been identified in 1/250888 chromosomes in the general population by the Genome Aggregation Database (gnomAD). The available evidence is insufficient to determine the role of this variant in disease conclusively. Therefore, this variant is classified as a Variant of Uncertain Significance.

Ambry Genetics
Classification: Uncertain significance for Hereditary cancer-predisposing syndrome. Last evaluated: 2025-02-23. Review status: criteria provided, single submitter. Criteria: Ambry Variant Classification Scheme 2023. Collection method: clinical testing. Allele origin: germline.
Comment: The p.E296D variant (also known as c.888G>C), located in coding exon 6 of the BRIP1 gene, results from a G to C substitution at nucleotide position 888. The glutamic acid at codon 296 is replaced by aspartic acid, an amino acid with highly similar properties. This amino acid position is highly conserved in available vertebrate species. In addition, this alteration is predicted to be tolerated by in silico analysis. Since supporting evidence is limited at this time, the clinical significance of this alteration remains unclear.

Department of Pathology and Laboratory Medicine, Sinai Health System
Classification: Uncertain significance for Familial cancer of breast. Last evaluated: 2023-07-25. Review status: criteria provided, single submitter. Criteria: ACMG Guidelines, 2015. Collection method: clinical testing. Allele origin: germline. Affected: yes.

Baylor Genetics
Classification: Uncertain significance for Familial cancer of breast. Last evaluated: 2023-07-13. Review status: criteria provided, single submitter. Criteria: ACMG Guidelines, 2015. Collection method: clinical testing. Allele origin: unknown.

Literature cited by the submitters: PubMed 26921362 (cited by Color Diagnostics, LLC DBA Color Health).